The following is an entry in ClinVar:

ClinVar aggregate classification (germline): Pathogenic/Likely pathogenic. Review status: criteria provided, multiple submitters, no conflicts (2 of 4 stars). 3 submissions from 3 submitters: Pathogenic (1); Likely pathogenic (2). Last evaluated 2025-11-08.

Conditions:
Hyperornithinemia-hyperammonemia-homocitrullinuria syndrome (HHHS). Also called: Ornithine translocase deficiency; HHH SYNDROME. Identifiers: Orphanet 415, MedGen C0268540, MONDO:0009393, OMIM 238970.

Submissions (3):

Labcorp Genetics (formerly Invitae), Labcorp
Classification: Pathogenic for Hyperornithinemia-hyperammonemia-homocitrullinuria syndrome. Last evaluated: 2025-11-08. Review status: criteria provided, single submitter. Criteria: Invitae Variant Classification Sherloc (09022015). Collection method: clinical testing. Allele origin: germline.
Comment: This sequence change creates a premature translational stop signal (p.Gly20Valfs*6) in the SLC25A15 gene. It is expected to result in an absent or disrupted protein product. Loss-of-function variants in SLC25A15 are known to be pathogenic (PMID: 11552031, 19242930). This variant is present in population databases (no rsID available, gnomAD 0.0009%). This variant has not been reported in the literature in individuals affected with SLC25A15-related conditions. ClinVar contains an entry for this variant (Variation ID: 857237). For these reasons, this variant has been classified as Pathogenic.

Fulgent Genetics
Classification: Likely pathogenic for Hyperornithinemia-hyperammonemia-homocitrullinuria syndrome. Last evaluated: 2024-05-15. Review status: criteria provided, single submitter. Criteria: ACMG Guidelines, 2015. Collection method: clinical testing. Allele origin: germline.

Natera, Inc.
Classification: Likely pathogenic for Hyperornithinemia-hyperammonemia-homocitrullinuria syndrome. Last evaluated: 2024-03-21. Review status: criteria provided, single submitter. Criteria: Natera Variant Classification Schema (03/2026). Collection method: clinical testing. Allele origin: germline.
Comment: The c.59delG variant in SLC25A15 is a frameshift variant predicted to shift the reading frame beginning at codon 20 and leads to a stop codon 6 codons downstream. This variant is expected to result in nonsense mediated decay, truncation, or a dysfunctional protein product. This variant is rare in the general population with a frequency below the threshold expected for the associated phenotype(s). Given the available evidence, this variant is classified as Likely Pathogenic.

Literature cited by the submitters: PubMed 11552031 (cited by Labcorp Genetics (formerly Invitae), Labcorp); PubMed 19242930 (cited by Labcorp Genetics (formerly Invitae), Labcorp).

NM_014252.4(SLC25A15):c.59del (p.Gly20fs)

Gene: SLC25A15 (solute carrier family 25 member 15; plus strand). Cytogenetic location: 13q14.11.
Variant type: Deletion.
Coding change: c.59del on transcript NM_014252.4 (MANE Select); coding-DNA position 59, one base deleted (G; older notation c.59delG).
Protein change: p.Gly20fs; shifts the reading frame from glycine 20.
Molecular consequence: frameshift variant. On other transcripts: non-coding transcript variant (2).
Genome position (GRCh38, 1-based): chr13:40,799,060, G deleted; the last of 2 consecutive G bases (chr13:40,799,059-40,799,060); deleting either gives the same sequence. VCF-style (leftmost placement, unchanged base first): chr13-40799058-AG-A. GRCh37 (hg19) VCF-style: chr13-41373194-AG-A.
Other names: c.59delG (NM_014252.3); short protein forms G20fs.
Identifiers: ClinVar variation 857237 (VCV000857237.9), dbSNP rs1566121215, ClinGen allele CA609927482.
Genomic context (GRCh38, chr13:40,799,058, plus strand): 5'-CTTCCATGGATAATGGAACTGTAGCCTCGTACTAGAGCAGTCATCTGTCCTGATTGCAGG[AG>A]GTACAGCATGTGTACTGACCGGGCAGCCCTTTGACACAATGAAAGTGAAGATGCAGACGT-3'